The following is an entry in ClinVar:

NM_182916.3(TRNT1):c.182T>G (p.Ile61Arg)

Gene: TRNT1 (tRNA nucleotidyl transferase 1; plus strand). Cytogenetic location: 3p26.2.
Variant type: single nucleotide variant.
Coding change: c.182T>G on transcript NM_182916.3 (MANE Select); coding-DNA position 182, T replaced by G.
Protein change: p.Ile61Arg; replaces isoleucine 61 with arginine.
Molecular consequence: missense variant. On other transcripts: non-coding transcript variant (8).
Genome position (GRCh38, 1-based): chr3:3,137,293, T>G. VCF-style: chr3-3137293-T-G. GRCh37 (hg19) VCF-style: chr3-3178977-T-G.
Other names: c.182T>G, p.Ile61Arg (NM_001302946.2, NM_001367321.1, NM_001367322.1 and 1 more transcripts); short protein forms I61R.
Identifiers: ClinVar variation 1367783 (VCV001367783.8), dbSNP rs2126017364, ClinGen allele CA351442990.
Genomic context (GRCh38, chr3:3,137,293, plus strand): 5'-TAAAAATCTTATTTTCTCTCATCTCAGAATTATTTGTCAAAGAGAATCACGAATTAAGAA[T>G]AGCAGGAGGAGCAGTGAGGGATTTATTAAATGGAGTAAAGCCTCAGGATATAGATTTTGC-3'
Protein context (NP_886552.3, residues 51-71): LFVKENHELR[Ile61Arg]AGGAVRDLLN

ClinVar aggregate classification (germline): Uncertain significance (1 of 4 stars; one submission).

Conditions:
Congenital sideroblastic anemia-B-cell immunodeficiency-periodic fever-developmental delay syndrome. Also called: Sideroblastic anemia with B-cell immunodeficiency, periodic fevers, and developmental delay. Identifiers: Orphanet 369861, MedGen C4015172, MONDO:0014487, OMIM 616084.

Submission:

Labcorp Genetics (formerly Invitae), Labcorp
Classification: Uncertain significance for Congenital sideroblastic anemia-B-cell immunodeficiency-periodic fever-developmental delay syndrome. Last evaluated: 2021-07-15. Review status: criteria provided, single submitter. Criteria: Invitae Variant Classification Sherloc (09022015). Collection method: clinical testing. Allele origin: germline.
Comment: In summary, the available evidence is currently insufficient to determine the role of this variant in disease. Therefore, it has been classified as a Variant of Uncertain Significance. Algorithms developed to predict the effect of missense changes on protein structure and function are either unavailable or do not agree on the potential impact of this missense change (SIFT: "Deleterious"; PolyPhen-2: "Probably Damaging"; Align-GVGD: "Class C0"). This variant has not been reported in the literature in individuals affected with TRNT1-related conditions. This variant is not present in population databases (ExAC no frequency). This sequence change replaces isoleucine with arginine at codon 61 of the TRNT1 protein (p.Ile61Arg). The isoleucine residue is highly conserved and there is a moderate physicochemical difference between isoleucine and arginine.